The following is an entry in ClinVar:

ClinVar aggregate classification (germline): Pathogenic (1 of 4 stars; one submission).

Submission:

Labcorp Genetics (formerly Invitae), Labcorp
Classification: Pathogenic. Last evaluated: 2022-08-27. Review status: criteria provided, single submitter. Criteria: Invitae Variant Classification Sherloc (09022015). Collection method: clinical testing. Allele origin: germline.
Comment: This variant is a gross deletion of the genomic region encompassing exon(s) 2-4 of the ACAN gene, which includes the initiator codon. This deletion extends beyond the assayed region for this gene and therefore may encompass additional genes. It is expected to result in an absent or disrupted protein product. Loss-of-function variants in ACAN are known to be pathogenic (PMID: 16080123, 24762113). For these reasons, this variant has been classified as Pathogenic. This variant has not been reported in the literature in individuals affected with ACAN-related conditions.

Literature cited by the submitters: PubMed 16080123; PubMed 24762113.

NC_000015.9:g.(?_89379429)_(89383437_?)del

Gene: ACAN (aggrecan; plus strand). Cytogenetic location: 15q26.1.
Variant type: Deletion.
Identifiers: ClinVar variation 2425830 (VCV002425830.4).